The following is an entry in ClinVar:

NM_003280.3(TNNC1):c.317+6C>G

Gene: TNNC1 (troponin C1, slow skeletal and cardiac type; minus strand). Cytogenetic location: 3p21.1.
Variant type: single nucleotide variant.
Coding change: c.317+6C>G on transcript NM_003280.3 (MANE Select); 6 bases into the intron after coding-DNA position 317, C replaced by G.
Molecular consequence: intron variant.
Genome position (GRCh38, 1-based): chr3:52,451,738, G>C on the plus strand (C>G on the coding strand, the complement: TNNC1 is on the minus strand). VCF-style: chr3-52451738-G-C. GRCh37 (hg19) VCF-style: chr3-52485754-G-C.
Identifiers: ClinVar variation 1217270 (VCV001217270.7), dbSNP rs2153229925, ClinGen allele CA2499216962.

ClinVar aggregate classification (germline): Uncertain significance. Review status: criteria provided, multiple submitters, no conflicts (2 of 4 stars). 2 submissions from 2 submitters: Uncertain significance (2). Last evaluated 2023-06-20.

Conditions:
Dilated cardiomyopathy 1Z (CMD1Z). Identifiers: Orphanet 154, MedGen C2678475, MONDO:0012745, OMIM 611879.
Hypertrophic cardiomyopathy 13. Also called: TNNC1-Related Familial Hypertrophic Cardiomyopathy. Identifiers: MedGen C2750472, MONDO:0013195, OMIM 613243.

Submissions (2):

Labcorp Genetics (formerly Invitae), Labcorp
Classification: Uncertain significance for Hypertrophic cardiomyopathy 13; Dilated cardiomyopathy 1Z. Last evaluated: 2023-06-20. Review status: criteria provided, single submitter. Criteria: Invitae Variant Classification Sherloc (09022015). Collection method: clinical testing. Allele origin: germline.
Comment: Variants that disrupt the consensus splice site are a relatively common cause of aberrant splicing (PMID: 17576681, 9536098). Algorithms developed to predict the effect of sequence changes on RNA splicing suggest that this variant is not likely to affect RNA splicing. In summary, the available evidence is currently insufficient to determine the role of this variant in disease. Therefore, it has been classified as a Variant of Uncertain Significance. ClinVar contains an entry for this variant (Variation ID: 1217270). This sequence change falls in intron 4 of the TNNC1 gene. It does not directly change the encoded amino acid sequence of the TNNC1 protein. It affects a nucleotide within the consensus splice site. This variant is not present in population databases (gnomAD no frequency). This variant has not been reported in the literature in individuals affected with TNNC1-related conditions.

Women's Health and Genetics/Laboratory Corporation of America, LabCorp
Classification: Uncertain significance. Last evaluated: 2021-08-23. Review status: criteria provided, single submitter. Criteria: LabCorp Variant Classification Summary - May 2015. Collection method: clinical testing. Allele origin: germline.
Comment: Variant summary: TNNC1 c.317+6C>G alters a conserved nucleotide located close to a canonical splice site and therefore could affect mRNA splicing, leading to a significantly altered protein sequence. 4/4 computational tools predict no significant impact on normal splicing. However, these predictions have yet to be confirmed by functional studies. The variant was absent in 251342 control chromosomes (gnomAD). The available data on variant occurrences in the general population are insufficient to allow any conclusion about variant significance. To our knowledge, no occurrence of c.317+6C>G in individuals affected with Cardiomyopathy and no experimental evidence demonstrating its impact on protein function have been reported. No clinical diagnostic laboratories have submitted clinical-significance assessments for this variant to ClinVar after 2014. Based on the evidence outlined above, the variant was classified as uncertain significance.

Literature cited by the submitters: PubMed 17576681 (cited by Labcorp Genetics (formerly Invitae), Labcorp); PubMed 9536098 (cited by Labcorp Genetics (formerly Invitae), Labcorp).